The following is an entry in ClinVar:

ClinVar aggregate classification (germline): Pathogenic (1 of 4 stars; one submission).

Submission:

Labcorp Genetics (formerly Invitae), Labcorp
Classification: Pathogenic. Last evaluated: 2022-05-27. Review status: criteria provided, single submitter. Criteria: Invitae Variant Classification Sherloc (09022015). Collection method: clinical testing. Allele origin: germline.
Comment: This sequence change creates a premature translational stop signal (p.Asp1214Valfs*141) in the POLE gene. It is expected to result in an absent or disrupted protein product. Loss-of-function variants in POLE are known to be pathogenic (PMID: 23230001, 25948378, 30503519). For these reasons, this variant has been classified as Pathogenic. Algorithms developed to predict the effect of sequence changes on RNA splicing suggest that this variant may create or strengthen a splice site. This variant has not been reported in the literature in individuals affected with POLE-related conditions. This variant is not present in population databases (gnomAD no frequency).

Literature cited by the submitters: PubMed 23230001; PubMed 25948378; PubMed 30503519.

NM_006231.4(POLE):c.3640_3641insT (p.Asp1214fs)

Gene: POLE (DNA polymerase epsilon, catalytic subunit; minus strand). Cytogenetic location: 12q24.33.
Variant type: Insertion.
Coding change: c.3640_3641insT on transcript NM_006231.4 (MANE Select); coding-DNA positions 3640 to 3641, T inserted.
Protein change: p.Asp1214fs; shifts the reading frame from aspartic acid 1214.
Molecular consequence: frameshift variant.
Genome position: GRCh38 VCF-style: chr12-132649831-T-TA. GRCh37 (hg19) VCF-style: chr12-133226417-T-TA.
Other names: short protein forms D1214fs.
Identifiers: ClinVar variation 1375548 (VCV001375548.6), dbSNP rs2138614805, ClinGen allele CA2573148183.